The following is an entry in ClinVar:

NM_000037.4(ANK1):c.1207-6T>C

Gene: ANK1 (ankyrin 1; minus strand). Cytogenetic location: 8p11.21.
Variant type: single nucleotide variant.
Coding change: c.1207-6T>C on transcript NM_000037.4 (MANE Select); 6 bases into the intron before coding-DNA position 1207, T replaced by C.
Molecular consequence: intron variant.
Genome position (GRCh38, 1-based): chr8:41,717,708, A>G on the plus strand (T>C on the coding strand, the complement: ANK1 is on the minus strand). VCF-style: chr8-41717708-A-G. GRCh37 (hg19) VCF-style: chr8-41575226-A-G.
Other names: c.1306-6T>C (NM_001142446.2); c.1207-6T>C (NM_020477.3, NM_020475.3, NM_020476.3).
Identifiers: ClinVar variation 2920819 (VCV002920819.3), dbSNP rs541269643, ClinGen allele CA4728681.

ClinVar aggregate classification (germline): Conflicting classifications of pathogenicity. Review status: criteria provided, conflicting classifications (1 of 4 stars). 2 submissions from 2 submitters: Uncertain significance (1); Likely benign (1). Last evaluated 2025-10-27.

Conditions:
Hereditary spherocytosis type 1. Also called: Spherocytosis type 1; ANK1-Related Spherocytosis. Identifiers: Orphanet 822, MedGen C2674218, MONDO:0008447, OMIM 182900.

Allele frequency attached by ClinVar (database versions not stated): gnomAD exomes 0.00003; TOPMed 0.00003; ExAC 0.00005; gnomAD 0.00005; 1000 Genomes Project 0.00020; 1000 Genomes Project 30x 0.00031.
gnomAD v4.1: 44 of 1,550,558 alleles (0.0028%); highest among the groups gnomAD compares: Admixed American, 0.0039%; no homozygotes.

Submissions (2):

Labcorp Genetics (formerly Invitae), Labcorp
Classification: Uncertain significance. Last evaluated: 2025-10-27. Review status: criteria provided, single submitter. Criteria: Invitae Variant Classification Sherloc (09022015). Collection method: clinical testing. Allele origin: germline.
Comment: This sequence change falls in intron 11 of the ANK1 gene. It does not directly change the encoded amino acid sequence of the ANK1 protein. The frequency data for this variant in the population databases is considered unreliable, as metrics indicate poor data quality at this position in the gnomAD database. This variant has not been reported in the literature in individuals affected with ANK1-related conditions. ClinVar contains an entry for this variant (Variation ID: 2920819). Algorithms developed to predict the effect of sequence changes on RNA splicing suggest that this variant may create or strengthen a splice site. In summary, the available evidence is currently insufficient to determine the role of this variant in disease. Therefore, it has been classified as a Variant of Uncertain Significance.

ARUP Laboratories, Molecular Genetics and Genomics, ARUP Laboratories
Classification: Likely benign for Hereditary spherocytosis type 1. Last evaluated: 2022-12-23. Review status: criteria provided, single submitter. Criteria: ARUP Molecular Germline Variant Investigation Process 2024. Collection method: clinical testing. Allele origin: germline.